The following is an entry in ClinVar:

NM_177438.3(DICER1):c.1769G>C (p.Cys590Ser)

Gene: DICER1 (dicer 1, ribonuclease III; minus strand). Cytogenetic location: 14q32.13.
Variant type: single nucleotide variant.
Coding change: c.1769G>C on transcript NM_177438.3 (MANE Select); coding-DNA position 1769, G replaced by C.
Protein change: p.Cys590Ser; replaces cysteine 590 with serine.
Molecular consequence: missense variant. On other transcripts: non-coding transcript variant (6).
Genome position (GRCh38, 1-based): chr14:95,115,805, C>G on the plus strand (G>C on the coding strand, the complement: DICER1 is on the minus strand). VCF-style: chr14-95115805-C-G. GRCh37 (hg19) VCF-style: chr14-95582142-C-G.
Other names: c.1769G>C, p.Cys590Ser (NM_001195573.1, NM_001271282.3, NM_001291628.2 and 13 more transcripts); c.1487G>C, p.Cys496Ser (NM_001395686.1); c.1364G>C, p.Cys455Ser (NM_001395687.1, NM_001395688.1, NM_001395689.1 and 3 more transcripts); c.1202G>C, p.Cys401Ser (NM_001395691.1); c.86G>C, p.Cys29Ser (NM_001395697.1); short protein forms C455S, C590S, C29S, C401S, C496S.
Identifiers: ClinVar variation 1779738 (VCV001779738.8), dbSNP rs1555372646, ClinGen allele CA390884169.

ClinVar aggregate classification (germline): Uncertain significance. Review status: criteria provided, multiple submitters, no conflicts (2 of 4 stars). 3 submissions from 3 submitters: Uncertain significance (3). Last evaluated 2024-05-21.

Conditions:
Hereditary cancer-predisposing syndrome. Also called: Hereditary neoplastic syndrome; Neoplastic Syndromes, Hereditary; Tumor predisposition; Hereditary Cancer Syndrome. Identifiers: Orphanet 140162, MedGen C0027672, MeSH D009386, MONDO:0015356.
DICER1-related tumor predisposition. Also called: DICER1-related pleuropulmonary blastoma cancer predisposition syndrome; DICER1 syndrome. Identifiers: Orphanet 284343, MedGen C3839822, MONDO:0100216.

Submissions (3):

Ambry Genetics
Classification: Uncertain significance for Hereditary cancer-predisposing syndrome. Last evaluated: 2024-05-21. Review status: criteria provided, single submitter. Criteria: Ambry Variant Classification Scheme 2023. Collection method: clinical testing. Allele origin: germline.
Comment: The p.C590S variant (also known as c.1769G>C), located in coding exon 10 of the DICER1 gene, results from a G to C substitution at nucleotide position 1769. The cysteine at codon 590 is replaced by serine, an amino acid with dissimilar properties. This amino acid position is highly conserved in available vertebrate species. In addition, this alteration is predicted to be deleterious by in silico analysis. Since supporting evidence is limited at this time, the clinical significance of this alteration remains unclear.

GeneDx
Classification: Uncertain significance. Last evaluated: 2024-01-08. Review status: criteria provided, single submitter. Criteria: GeneDx Variant Classification Process June 2021. Collection method: clinical testing. Allele origin: germline.
Comment: Not observed at significant frequency in large population cohorts (gnomAD); In silico analysis supports that this missense variant has a deleterious effect on protein structure/function; Has not been previously published as pathogenic or benign to our knowledge

Labcorp Genetics (formerly Invitae), Labcorp
Classification: Uncertain significance for DICER1-related tumor predisposition. Last evaluated: 2023-01-19. Review status: criteria provided, single submitter. Criteria: Invitae Variant Classification Sherloc (09022015). Collection method: clinical testing. Allele origin: germline.
Comment: In summary, the available evidence is currently insufficient to determine the role of this variant in disease. Therefore, it has been classified as a Variant of Uncertain Significance. Advanced modeling of protein sequence and biophysical properties (such as structural, functional, and spatial information, amino acid conservation, physicochemical variation, residue mobility, and thermodynamic stability) performed at Invitae indicates that this missense variant is not expected to disrupt DICER1 protein function. ClinVar contains an entry for this variant (Variation ID: 1779738). This variant has not been reported in the literature in individuals affected with DICER1-related conditions. This variant is not present in population databases (gnomAD no frequency). This sequence change replaces cysteine, which is neutral and slightly polar, with serine, which is neutral and polar, at codon 590 of the DICER1 protein (p.Cys590Ser).